The following is an entry in ClinVar:

NM_001048174.2(MUTYH):c.40A>C (p.Lys14Gln)

Gene: MUTYH (mutY DNA glycosylase; minus strand). Cytogenetic location: 1p34.1.
Variant type: single nucleotide variant.
Coding change: c.40A>C on transcript NM_001048174.2 (MANE Select); coding-DNA position 40, A replaced by C.
Protein change: p.Lys14Gln; replaces lysine 14 with glutamine.
Molecular consequence: missense variant. On other transcripts: 5 prime UTR variant (7), non-coding transcript variant (7).
Genome position (GRCh38, 1-based): chr1:45,334,466, T>G on the plus strand (A>C on the coding strand, the complement: MUTYH is on the minus strand). VCF-style: chr1-45334466-T-G. GRCh37 (hg19) VCF-style: chr1-45800138-T-G.
Other names: c.40A>C, p.Lys14Gln (NM_001293191.2, NM_001293195.2, NM_001407070.1 and 15 more transcripts); c.-173A>C (NM_001293192.2, NM_001293196.2, NM_001407091.1); c.-232A>C (NM_001350650.2); c.-168A>C (NM_001350651.2, NM_001407082.1); c.82A>C, p.Lys28Gln (NM_001407069.1, NM_001407073.1, NM_012222.3 and 2 more transcripts); c.-117A>C (NM_001407075.1); c.58A>C, p.Lys20Gln (NM_001407087.1); short protein forms K20Q, K14Q, K28Q.
Identifiers: ClinVar variation 4113859 (VCV004113859.1).

ClinVar aggregate classification (germline): Uncertain significance (1 of 4 stars; one submission).

Conditions:
Hereditary cancer-predisposing syndrome. Also called: Hereditary neoplastic syndrome; Neoplastic Syndromes, Hereditary; Tumor predisposition; Hereditary Cancer Syndrome. Identifiers: Orphanet 140162, MedGen C0027672, MeSH D009386, MONDO:0015356.

Submission:

Ambry Genetics
Classification: Uncertain significance for Hereditary cancer-predisposing syndrome. Last evaluated: 2025-08-27. Review status: criteria provided, single submitter. Criteria: Ambry Variant Classification Scheme 2023. Collection method: clinical testing. Allele origin: germline.
Comment: The p.K28Q variant (also known as c.82A>C), located in coding exon 2 of the MUTYH gene, results from an A to C substitution at nucleotide position 82. The lysine at codon 28 is replaced by glutamine, an amino acid with similar properties. This amino acid position is conserved. In addition, this alteration is predicted to be tolerated by in silico analysis. Based on the available evidence, the clinical significance of this variant remains unclear.